The following is an entry in ClinVar:

NM_017882.3(CLN6):c.542+212C>T

Gene: CLN6 (CLN6 transmembrane ER protein; minus strand). Cytogenetic location: 15q23.
Variant type: single nucleotide variant.
Coding change: c.542+212C>T on transcript NM_017882.3 (MANE Select); 212 bases into the intron after coding-DNA position 542, C replaced by T.
Molecular consequence: intron variant.
Genome position (GRCh38, 1-based): chr15:68,211,051, G>A on the plus strand (C>T on the coding strand, the complement: CLN6 is on the minus strand). VCF-style: chr15-68211051-G-A. GRCh37 (hg19) VCF-style: chr15-68503389-G-A.
Identifiers: ClinVar variation 677325 (VCV000677325.1), dbSNP rs111504155, ClinGen allele CA272384261.

ClinVar aggregate classification (germline): Likely benign (1 of 4 stars; one submission).

Allele frequency attached by ClinVar (database versions not stated): TOPMed 0.00791; gnomAD 0.00812 and 0.00888; 1000 Genomes Project 30x 0.00874; 1000 Genomes Project 0.00978.
gnomAD v4.1: 1,352 of 152,312 alleles (0.89%); highest among the groups gnomAD compares: South Asian, 3.1%; 12 homozygotes.

Submission:

GeneDx
Classification: Likely benign. Last evaluated: 2018-06-19. Review status: criteria provided, single submitter. Criteria: GeneDx Variant Classification (06012015). Collection method: clinical testing. Allele origin: germline. Affected: yes.
Comment: This variant is considered likely benign or benign based on one or more of the following criteria: it is a conservative change, it occurs at a poorly conserved position in the protein, it is predicted to be benign by multiple in silico algorithms, and/or has population frequency not consistent with disease.